The following is an entry in ClinVar:

ClinVar aggregate classification (germline): Benign/Likely benign. Review status: criteria provided, multiple submitters, no conflicts (2 of 4 stars). 11 submissions from 10 submitters: Benign (7); Likely benign (3). 1 of the submissions does not count toward it. Last evaluated 2026-02-01.

Conditions:
Muscular dystrophy-dystroglycanopathy (congenital with brain and eye anomalies), type A6. Also called: WALKER-WARBURG SYNDROME OR MUSCLE-EYE-BRAIN DISEASE, LARGE-RELATED; MUSCULAR DYSTROPHY-DYSTROGLYCANOPATHY (CONGENITAL WITH BRAIN AND EYE ANOMALIES), TYPE A, 6. Identifiers: Orphanet 588, Orphanet 899, MedGen C3150414, MONDO:0013158, OMIM 613154.
Muscular dystrophy-dystroglycanopathy type B6 (MDDGB6). Also called: MUSCULAR DYSTROPHY-DYSTROGLYCANOPATHY (CONGENITAL WITH IMPAIRED INTELLECTUAL DEVELOPMENT), TYPE B, 6; MUSCULAR DYSTROPHY, CONGENITAL, LARGE-RELATED; MUSCULAR DYSTROPHY, CONGENITAL, TYPE 1D. Identifiers: MedGen C1837229, MONDO:0012138, OMIM 608840.

Allele frequency attached by ClinVar (database versions not stated): gnomAD exomes 0.00637; ExAC 0.00816; gnomAD 0.02436 and 0.02604; TOPMed 0.02685; ESP Exome Variant Server 0.02768; 1000 Genomes Project 0.03055; 1000 Genomes Project 30x 0.03170.
gnomAD v4.1: 7,298 of 1,614,248 alleles (0.45%); highest among the groups gnomAD compares: African/African-American, 8.5%; 260 homozygotes.

Submissions (11):

Labcorp Genetics (formerly Invitae), Labcorp
Classification: Benign for Muscular dystrophy-dystroglycanopathy type B6. Last evaluated: 2026-02-01. Review status: criteria provided, single submitter. Criteria: Invitae Variant Classification Sherloc (09022015). Collection method: clinical testing. Allele origin: germline.

Athena Diagnostics
Classification: Benign. Last evaluated: 2018-12-26. Review status: criteria provided, single submitter. Criteria: Athena Diagnostics Criteria. Collection method: clinical testing. Allele origin: germline.

Mayo Clinic Laboratories, Mayo Clinic
Classification: Benign. Last evaluated: 2018-03-12. Review status: criteria provided, single submitter. Criteria: ACMG Guidelines, 2015. Collection method: clinical testing. Allele origin: germline. Observed: 19 variant alleles.

Center for Pediatric Genomic Medicine, Children's Mercy Hospital and Clinics
Classification: Benign. Last evaluated: 2017-05-04. Review status: criteria provided, single submitter. Criteria: ACMG Guidelines, 2015. Collection method: clinical testing. Allele origin: germline.

Illumina Laboratory Services, Illumina
Classification: Likely benign for Muscular dystrophy-dystroglycanopathy type B6. Last evaluated: 2017-04-27. Review status: criteria provided, single submitter. Criteria: ICSL Variant Classification Criteria 13 December 2019. Collection method: clinical testing. Allele origin: germline.
Comment: This variant was observed as part of a predisposition screen in an ostensibly healthy population. A literature search was performed for the gene, cDNA change, and amino acid change (where applicable). No publications were found based on this search. Allele frequency data from public databases allowed determination this variant is unlikely to cause disease. Therefore, this variant is classified as likely benign.

Illumina Laboratory Services, Illumina
Classification: Likely benign for Muscular dystrophy-dystroglycanopathy (congenital with brain and eye anomalies), type A6. Last evaluated: 2017-04-27. Review status: criteria provided, single submitter. Criteria: ICSL Variant Classification Criteria 13 December 2019. Collection method: clinical testing. Allele origin: germline.
Comment: the same text as in the submission from Illumina Laboratory Services, Illumina above.

Eurofins Ntd Llc (ga)
Classification: Benign. Last evaluated: 2014-10-17. Review status: criteria provided, single submitter. Criteria: EGL Classification Definitions 2015. Collection method: clinical testing. Allele origin: germline. Observed: 2 variant alleles, 2 heterozygotes.

GeneDx
Classification: Benign. Last evaluated: 2014-07-29. Review status: criteria provided, single submitter. Criteria: GeneDx Variant Classification (06012015). Collection method: clinical testing. Allele origin: germline. Affected: yes.
Comment: This variant is considered likely benign or benign based on one or more of the following criteria: it is a conservative change, it occurs at a poorly conserved position in the protein, it is predicted to be benign by multiple in silico algorithms, and/or has population frequency not consistent with disease.

Breakthrough Genomics
Classification: Likely benign. Review status: criteria provided, single submitter. Criteria: ACMG Guidelines, 2015. Collection method: not provided. Allele origin: germline. Inheritance: Autosomal recessive inheritance. Affected: yes.

PreventionGenetics, part of Exact Sciences
Classification: Benign. Review status: criteria provided, single submitter. Criteria: ACMG Guidelines, 2015. Collection method: clinical testing. Allele origin: germline.

Genetic Services Laboratory, University of Chicago
Classification: Likely benign. Review status: no assertion criteria provided. Collection method: clinical testing. Allele origin: germline. Inheritance: Autosomal recessive inheritance. Not counted in ClinVar's aggregate classification.
Comment: Likely benign based on allele frequency in 1000 Genomes Project or ESP global frequency and its presence in a patient with a rare or unrelated disease phenotype. NOT Sanger confirmed

NM_133642.5(LARGE1):c.1548C>T (p.Tyr516=)

Gene: LARGE1 (LARGE xylosyl- and glucuronyltransferase 1; minus strand). Cytogenetic location: 22q12.3.
Variant type: single nucleotide variant.
Coding change: c.1548C>T on transcript NM_133642.5 (MANE Select); coding-DNA position 1548, C replaced by T.
Protein change: p.Tyr516=; no amino-acid change (tyrosine 516 retained).
Molecular consequence: synonymous variant.
Genome position (GRCh38, 1-based): chr22:33,304,411, G>A on the plus strand (C>T on the coding strand, the complement: LARGE1 is on the minus strand). VCF-style: chr22-33304411-G-A. GRCh37 (hg19) VCF-style: chr22-33700397-G-A.
Other names: p.Y516Y:TAC>TAT; p.Tyr516=; c.1548C>T, p.Tyr516= (NM_001362949.2, NM_001362951.2, NM_001362953.2 and 6 more transcripts); c.1392C>T, p.Tyr464= (NM_001378629.1); c.945C>T, p.Tyr315= (NM_001378630.1); c.789C>T, p.Tyr263= (NM_001378631.1); c.1548C>T (NM_004737.6).
Identifiers: ClinVar variation 95166 (VCV000095166.28), dbSNP rs34292743, ClinGen allele CA285630.